The following is an entry in ClinVar:

NM_014008.5(CCDC22):c.127C>T (p.Arg43Cys)

Gene: CCDC22 (CCC complex scaffolding subunit CCDC22; plus strand). Cytogenetic location: Xp11.23.
Variant type: single nucleotide variant.
Coding change: c.127C>T on transcript NM_014008.5 (MANE Select); coding-DNA position 127, C replaced by T.
Protein change: p.Arg43Cys; replaces arginine 43 with cysteine.
Molecular consequence: missense variant.
Genome position (GRCh38, 1-based): chrX:49,237,162, C>T. VCF-style: chrX-49237162-C-T. GRCh37 (hg19) VCF-style: chrX-49093629-C-T.
Other names: short protein forms R43C.
Identifiers: ClinVar variation 2691593 (VCV002691593.1), dbSNP rs2519160290, ClinGen allele CA412932328.

ClinVar aggregate classification (germline): Uncertain significance (1 of 4 stars; one submission).

Allele frequency attached by ClinVar (database versions not stated): gnomAD exomes below 0.00001.
gnomAD v4.1: 1 of 1,211,654 alleles (0.000083%); highest among the groups gnomAD compares: Non-Finnish European, 0.00011%; no homozygotes.

Submission:

Women's Health and Genetics/Laboratory Corporation of America, LabCorp
Classification: Uncertain significance. Last evaluated: 2023-12-11. Review status: criteria provided, single submitter. Criteria: LabCorp Variant Classification Summary - May 2015. Collection method: clinical testing. Allele origin: germline.
Comment: Variant summary: CCDC22 c.127C>T (p.Arg43Cys) results in a non-conservative amino acid change located in the CCDC22, N-terminal domain (IPR048349) of the encoded protein sequence. Four of five in-silico tools predict a damaging effect of the variant on protein function. The variant was absent in 182820 control chromosomes. The available data on variant occurrences in the general population are insufficient to allow any conclusion about variant significance. To our knowledge, no occurrence of c.127C>T in individuals affected with Ritscher-Schinzel Syndrome 2 and no experimental evidence demonstrating its impact on protein function have been reported. No submitters have cited clinical-significance assessments for this variant to ClinVar after 2014. Based on the evidence outlined above, the variant was classified as uncertain significance.